The following is an entry in ClinVar:

ClinVar aggregate classification (germline): Benign/Likely benign. Review status: criteria provided, multiple submitters, no conflicts (2 of 4 stars). 4 submissions from 4 submitters: Benign (2); Likely benign (1). 1 of the submissions does not count toward it. Last evaluated 2026-01-05.

Conditions:
PITRM1-related disorder. Also called: PITRM1-related condition.

Allele frequency attached by ClinVar (database versions not stated): 1000 Genomes Project 0.00100; 1000 Genomes Project 30x 0.00125; ESP Exome Variant Server 0.00135; gnomAD 0.00172 and 0.00177; ExAC 0.00205.
gnomAD v4.1: 3,459 of 1,613,814 alleles (0.21%); highest among the groups gnomAD compares: Non-Finnish European, 0.24%; 12 homozygotes.

Submissions (4):

Labcorp Genetics (formerly Invitae), Labcorp
Classification: Benign. Last evaluated: 2026-01-05. Review status: criteria provided, single submitter. Criteria: Invitae Variant Classification Sherloc (09022015). Collection method: clinical testing. Allele origin: germline.

CeGaT Center for Human Genetics Tuebingen
Classification: Likely benign. Last evaluated: 2025-07-01. Review status: criteria provided, single submitter. Criteria: CeGaT Center For Human Genetics Tuebingen Variant Classification Criteria Version 2. Collection method: clinical testing. Allele origin: germline. Affected: yes. Observed: 10 variant alleles.
Comment: PITRM1: BP4, BP7

Breakthrough Genomics
Classification: Benign. Review status: criteria provided, single submitter. Criteria: ACMG Guidelines, 2015. Collection method: not provided. Allele origin: germline. Inheritance: Autosomal recessive inheritance. Affected: yes.

PreventionGenetics, part of Exact Sciences
Classification: Benign for PITRM1-related condition. Last evaluated: 2020-02-07. Review status: no assertion criteria provided. Collection method: clinical testing. Allele origin: germline. Not counted in ClinVar's aggregate classification.
Comment: This variant is classified as benign based on ACMG/AMP sequence variant interpretation guidelines (Richards et al. 2015 PMID: 25741868, with internal and published modifications).

NM_014889.4(PITRM1):c.1533C>T (p.His511=)

Gene: PITRM1 (pitrilysin metallopeptidase 1; minus strand). Cytogenetic location: 10p15.2.
Variant type: single nucleotide variant.
Coding change: c.1533C>T on transcript NM_014889.4 (MANE Select); coding-DNA position 1533, C replaced by T.
Protein change: p.His511=; no amino-acid change (histidine 511 retained).
Molecular consequence: synonymous variant. On other transcripts: non-coding transcript variant (4).
Genome position (GRCh38, 1-based): chr10:3,155,679, G>A on the plus strand (C>T on the coding strand, the complement: PITRM1 is on the minus strand). VCF-style: chr10-3155679-G-A. GRCh37 (hg19) VCF-style: chr10-3197871-G-A.
Other names: c.1533C>T (NM_001242307.1); c.1533C>T, p.His511= (NM_001242307.2, NM_001347725.2); c.1437C>T, p.His479= (NM_001242309.1); c.918C>T, p.His306= (NM_001347726.2, NM_001347727.2); c.228C>T, p.His76= (NM_001347728.2); c.1509C>T, p.His503= (NM_001347729.1, NM_001347730.1).
Identifiers: ClinVar variation 1545469 (VCV001545469.33), dbSNP rs201227300, ClinGen allele CA5387798.